The following is an entry in ClinVar:

NM_000350.3(ABCA4):c.3560C>A (p.Thr1187Lys)

Gene: ABCA4 (ATP binding cassette subfamily A member 4; minus strand). Cytogenetic location: 1p22.1.
Variant type: single nucleotide variant.
Coding change: c.3560C>A on transcript NM_000350.3 (MANE Select); coding-DNA position 3560, C replaced by A.
Protein change: p.Thr1187Lys; replaces threonine 1187 with lysine.
Molecular consequence: missense variant.
Genome position (GRCh38, 1-based): chr1:94,040,090, G>T on the plus strand (C>A on the coding strand, the complement: ABCA4 is on the minus strand). VCF-style: chr1-94040090-G-T. GRCh37 (hg19) VCF-style: chr1-94505646-G-T.
Other names: c.3338C>A, p.Thr1113Lys (NM_001425324.1); short protein forms T1187K, T1113K.
Identifiers: ClinVar variation 1017730 (VCV001017730.8), dbSNP rs1266156413, ClinGen allele CA341290098.
Genomic context (GRCh38, chr1:94,040,090, plus strand): 5'-GTCCAGTCCTTACCATCCAGGACTTGTTCTGGAGTTAGGTCATCGACGTGGGCTGGACAC[G>T]TGGTGGAGAAACCCTTAGACGAGCAGCTGCAGGTCCCCTGCAACAGATGGATGGGATGAC-3'
Protein context (NP_000341.2, residues 1177-1197): CSCSSKGFST[Thr1187Lys]CPAHVDDLTP

ClinVar aggregate classification (germline): Uncertain significance (1 of 4 stars; one submission).

Allele frequency attached by ClinVar (database versions not stated): gnomAD exomes below 0.00001.
gnomAD v4.1: 1 of 1,610,384 alleles (0.000062%); highest among the groups gnomAD compares: Non-Finnish European, 0.000085%; no homozygotes.

Submission:

Labcorp Genetics (formerly Invitae), Labcorp
Classification: Uncertain significance. Last evaluated: 2022-10-05. Review status: criteria provided, single submitter. Criteria: Invitae Variant Classification Sherloc (09022015). Collection method: clinical testing. Allele origin: germline.
Comment: The frequency data for this variant in the population databases is considered unreliable, as metrics indicate poor data quality at this position in the gnomAD database. This sequence change replaces threonine, which is neutral and polar, with lysine, which is basic and polar, at codon 1187 of the ABCA4 protein (p.Thr1187Lys). This variant has not been reported in the literature in individuals affected with ABCA4-related conditions. In summary, the available evidence is currently insufficient to determine the role of this variant in disease. Therefore, it has been classified as a Variant of Uncertain Significance. Algorithms developed to predict the effect of sequence changes on RNA splicing suggest that this variant may create or strengthen a splice site. Advanced modeling of protein sequence and biophysical properties (such as structural, functional, and spatial information, amino acid conservation, physicochemical variation, residue mobility, and thermodynamic stability) performed at Invitae indicates that this missense variant is not expected to disrupt ABCA4 protein function. ClinVar contains an entry for this variant (Variation ID: 1017730).